The following is an entry in ClinVar:

NM_001244008.2(KIF1A):c.4859C>G (p.Thr1620Ser)

Gene: KIF1A (kinesin family member 1A; minus strand). Cytogenetic location: 2q37.3.
Variant type: single nucleotide variant.
Coding change: c.4859C>G on transcript NM_001244008.2 (MANE Select); coding-DNA position 4859, C replaced by G.
Protein change: p.Thr1620Ser; replaces threonine 1620 with serine.
Molecular consequence: missense variant.
Genome position (GRCh38, 1-based): chr2:240,720,923, G>C on the plus strand (C>G on the coding strand, the complement: KIF1A is on the minus strand). VCF-style: chr2-240720923-G-C. GRCh37 (hg19) VCF-style: chr2-241660340-G-C.
Other names: c.4583C>G, p.Thr1528Ser (NM_001320705.2, NM_001379649.1); c.4610C>G, p.Thr1537Ser (NM_001330289.2); c.4658C>G, p.Thr1553Ser (NM_001330290.2, NM_001379648.1); c.4934C>G, p.Thr1645Ser (NM_001379631.1); c.4835C>G, p.Thr1612Ser (NM_001379632.1); c.4832C>G, p.Thr1611Ser (NM_001379633.1, NM_001379645.1); c.4685C>G, p.Thr1562Ser (NM_001379634.1); c.4682C>G, p.Thr1561Ser (NM_001379635.1, NM_001379646.1); and 7 more; short protein forms T1518S, T1519S, T1527S, T1528S, T1536S, T1537S, T1544S, T1553S.
Identifiers: ClinVar variation 3753691 (VCV003753691.2).
Genomic context (GRCh38, chr2:240,720,923, plus strand): 5'-TGGGTCAGCCGTGGTGCCAGAAGCCACTCCGGGAGCCTGGAGCTCACTCACCTCAGGTCA[G>C]TGGCACCGTACCGCCCTTCAACCAGAGAGGGGCAAGTGGAGGAGGGGGTGAGAGTGGCCA-3'
Protein context (NP_001230937.1, residues 1610-1630): PSLVEGRYGA[Thr1620Ser]DLRTPQPCSR

ClinVar aggregate classification (germline): Uncertain significance (1 of 4 stars; one submission).

Conditions:
Neuropathy, hereditary sensory, type 2C. Also called: KIF1A-Related HSAN2 (HSAN2C); Hereditary sensory and autonomic neuropathy type IIC. Identifiers: Orphanet 970, MedGen C3280168, MONDO:0013634, OMIM 614213.
Hereditary spastic paraplegia 30. Identifiers: Orphanet 101010, MedGen C5235139, MONDO:0012476.
Intellectual disability, autosomal dominant 9 (NESCAVS). Also called: KIF1A-Related Neurodevelopmental Disorder; NESCAV SYNDROME. Identifiers: Orphanet 662367, MedGen C5393830, MONDO:0013656, OMIM 614255.

Submission:

Labcorp Genetics (formerly Invitae), Labcorp
Classification: Uncertain significance for Hereditary spastic paraplegia 30; Neuropathy, hereditary sensory, type 2C; Intellectual disability, autosomal dominant 9. Last evaluated: 2024-03-16. Review status: criteria provided, single submitter. Criteria: Invitae Variant Classification Sherloc (09022015). Collection method: clinical testing. Allele origin: germline.
Comment: This sequence change replaces threonine, which is neutral and polar, with serine, which is neutral and polar, at codon 1519 of the KIF1A protein (p.Thr1519Ser). This variant is not present in population databases (gnomAD no frequency). This variant has not been reported in the literature in individuals affected with KIF1A-related conditions. Advanced modeling of protein sequence and biophysical properties (such as structural, functional, and spatial information, amino acid conservation, physicochemical variation, residue mobility, and thermodynamic stability) performed at Invitae indicates that this missense variant is not expected to disrupt KIF1A protein function with a negative predictive value of 95%. In summary, the available evidence is currently insufficient to determine the role of this variant in disease. Therefore, it has been classified as a Variant of Uncertain Significance.